The following is an entry in ClinVar:

NM_014159.7(SETD2):c.392C>A (p.Ser131Tyr)

Gene: SETD2 (SET domain containing 2, histone lysine methyltransferase; minus strand). Cytogenetic location: 3p21.31.
Variant type: single nucleotide variant.
Coding change: c.392C>A on transcript NM_014159.7 (MANE Select); coding-DNA position 392, C replaced by A.
Protein change: p.Ser131Tyr; replaces serine 131 with tyrosine.
Molecular consequence: missense variant. On other transcripts: non-coding transcript variant (1).
Genome position (GRCh38, 1-based): chr3:47,124,244, G>T on the plus strand (C>A on the coding strand, the complement: SETD2 is on the minus strand). VCF-style: chr3-47124244-G-T. GRCh37 (hg19) VCF-style: chr3-47165734-G-T.
Other names: c.260C>A, p.Ser87Tyr (NM_001349370.3); short protein forms S131Y, S87Y.
Identifiers: ClinVar variation 1060688 (VCV001060688.5), dbSNP rs1165951113, ClinGen allele CA352537297.
Genomic context (GRCh38, chr3:47,124,244, plus strand): 5'-ACATGAAGCAGATGTTTCTTAAAATGAATTTTGCCCAATTCCACCCTTGACTTTGGTGGG[G>T]AAGATTCTTCTGCAGTAGATAAGGTATCACCAATTTCCATTTTCATTTTAGGAGTCGAGT-3'
Protein context (NP_054878.5, residues 121-141): GDTLSTAEES[Ser131Tyr]PPKSRVELGK

ClinVar aggregate classification (germline): Uncertain significance (1 of 4 stars; one submission).

Conditions:
Luscan-Lumish syndrome. Identifiers: Orphanet 597738, MedGen C4085873, MONDO:0014791, OMIM 616831.

gnomAD v4.1: 4 of 1,551,712 alleles (0.00026%); highest among the groups gnomAD compares: Non-Finnish European, 0.00035%; no homozygotes.

Submission:

Labcorp Genetics (formerly Invitae), Labcorp
Classification: Uncertain significance for Luscan-Lumish syndrome. Last evaluated: 2020-04-27. Review status: criteria provided, single submitter. Criteria: Invitae Variant Classification Sherloc (09022015). Collection method: clinical testing. Allele origin: germline.
Comment: This sequence change replaces serine with tyrosine at codon 131 of the SETD2 protein (p.Ser131Tyr). The serine residue is moderately conserved and there is a large physicochemical difference between serine and tyrosine. This variant is not present in population databases (ExAC no frequency). This variant has not been reported in the literature in individuals with SETD2-related conditions. Algorithms developed to predict the effect of missense changes on protein structure and function are either unavailable or do not agree on the potential impact of this missense change (SIFT: "Tolerated"; PolyPhen-2: "Probably Damaging"; Align-GVGD: "Class C0"). In summary, the available evidence is currently insufficient to determine the role of this variant in disease. Therefore, it has been classified as a Variant of Uncertain Significance.